The following is an entry in ClinVar:

ClinVar aggregate classification (germline): Uncertain significance (1 of 4 stars; one submission).

Conditions:
Intellectual developmental disorder, autosomal dominant 6, with or without seizures. Also called: GRIN2B-related developmental delay, intellectual disability and autism spectrum disorder; Intellectual disability, autosomal dominant 6. Identifiers: Orphanet 589547, MedGen C3151411, MONDO:0013509, OMIM 613970.
Developmental and epileptic encephalopathy, 27 (DEE27). Also called: Epileptic encephalopathy, early infantile, 27; GRIN2B-Related Neurodevelopmental Disorder. Identifiers: Orphanet 3451, MedGen C4015316, MONDO:0014505, OMIM 616139.

Allele frequency attached by ClinVar (database versions not stated): gnomAD 0.00001; gnomAD exomes 0.00001.
gnomAD v4.1: 10 of 1,614,112 alleles (0.00062%); highest among the groups gnomAD compares: South Asian, 0.0033%; no homozygotes.

Submission:

Labcorp Genetics (formerly Invitae), Labcorp
Classification: Uncertain significance for Developmental and epileptic encephalopathy, 27; Intellectual developmental disorder, autosomal dominant 6, with or without seizures. Last evaluated: 2023-07-10. Review status: criteria provided, single submitter. Criteria: Invitae Variant Classification Sherloc (09022015). Collection method: clinical testing. Allele origin: germline.
Comment: This sequence change replaces tyrosine, which is neutral and polar, with cysteine, which is neutral and slightly polar, at codon 932 of the GRIN2B protein (p.Tyr932Cys). This variant is not present in population databases (gnomAD no frequency). This variant has not been reported in the literature in individuals affected with GRIN2B-related conditions. Advanced modeling of protein sequence and biophysical properties (such as structural, functional, and spatial information, amino acid conservation, physicochemical variation, residue mobility, and thermodynamic stability) performed at Invitae indicates that this missense variant is not expected to disrupt GRIN2B protein function. In summary, the available evidence is currently insufficient to determine the role of this variant in disease. Therefore, it has been classified as a Variant of Uncertain Significance.

NM_000834.5(GRIN2B):c.2795A>G (p.Tyr932Cys)

Gene: GRIN2B (glutamate ionotropic receptor NMDA type subunit 2B; minus strand). Cytogenetic location: 12p13.1.
Variant type: single nucleotide variant.
Coding change: c.2795A>G on transcript NM_000834.5 (MANE Select); coding-DNA position 2795, A replaced by G.
Protein change: p.Tyr932Cys; replaces tyrosine 932 with cysteine.
Molecular consequence: missense variant.
Genome position (GRCh38, 1-based): chr12:13,564,443, T>C on the plus strand (A>G on the coding strand, the complement: GRIN2B is on the minus strand). VCF-style: chr12-13564443-T-C. GRCh37 (hg19) VCF-style: chr12-13717377-T-C.
Other names: c.2795A>G, p.Tyr932Cys (NM_001413992.1); short protein forms Y932C.
Identifiers: ClinVar variation 2949314 (VCV002949314.3), dbSNP rs1948607494, ClinGen allele CA383993524.